The following is an entry in ClinVar:

NM_012418.4(FSCN2):c.989C>T (p.Ala330Val)

Gene: FSCN2 (fascin actin-bundling protein 2, retinal; plus strand). Cytogenetic location: 17q25.3.
Variant type: single nucleotide variant.
Coding change: c.989C>T on transcript NM_012418.4 (MANE Select); coding-DNA position 989, C replaced by T.
Protein change: p.Ala330Val; replaces alanine 330 with valine.
Molecular consequence: missense variant.
Genome position (GRCh38, 1-based): chr17:81,536,151, C>T. VCF-style: chr17-81536151-C-T. GRCh37 (hg19) VCF-style: chr17-79503177-C-T.
Other names: c.989C>T, p.Ala330Val (NM_001077182.3); short protein forms A330V.
Identifiers: ClinVar variation 1427279 (VCV001427279.6), dbSNP rs1199103737, ClinGen allele CA401476545.

ClinVar aggregate classification (germline): Uncertain significance (1 of 4 stars; one submission).

Allele frequency attached by ClinVar (database versions not stated): TOPMed 0.00001; gnomAD 0.00002.

Submission:

Labcorp Genetics (formerly Invitae), Labcorp
Classification: Uncertain significance. Last evaluated: 2024-07-24. Review status: criteria provided, single submitter. Criteria: Invitae Variant Classification Sherloc (09022015). Collection method: clinical testing. Allele origin: germline.
Comment: This sequence change replaces alanine, which is neutral and non-polar, with valine, which is neutral and non-polar, at codon 330 of the FSCN2 protein (p.Ala330Val). This variant is present in population databases (no rsID available, gnomAD 0.01%). This variant has not been reported in the literature in individuals affected with FSCN2-related conditions. ClinVar contains an entry for this variant (Variation ID: 1427279). An algorithm developed to predict the effect of missense changes on protein structure and function outputs the following: PolyPhen-2: "Benign". The valine amino acid residue is found in multiple mammalian species, which suggests that this missense change does not adversely affect protein function. In summary, the available evidence is currently insufficient to determine the role of this variant in disease. Therefore, it has been classified as a Variant of Uncertain Significance.